The following is an entry in ClinVar:

NM_001098816.3(TENM4):c.1453C>T (p.Pro485Ser)

Gene: TENM4 (teneurin transmembrane protein 4; minus strand). Cytogenetic location: 11q14.1.
Variant type: single nucleotide variant.
Coding change: c.1453C>T on transcript NM_001098816.3 (MANE Select); coding-DNA position 1453, C replaced by T.
Protein change: p.Pro485Ser; replaces proline 485 with serine.
Molecular consequence: missense variant.
Genome position (GRCh38, 1-based): chr11:78,855,981, G>A on the plus strand (C>T on the coding strand, the complement: TENM4 is on the minus strand). VCF-style: chr11-78855981-G-A. GRCh37 (hg19) VCF-style: chr11-78567026-G-A.
Other names: p.Pro485Ser; short protein forms P485S.
Identifiers: ClinVar variation 708691 (VCV000708691.33), dbSNP rs191549326, ClinGen allele CA6207545.

ClinVar aggregate classification (germline): Conflicting classifications of pathogenicity. Review status: criteria provided, conflicting classifications (1 of 4 stars). 5 submissions from 5 submitters: Uncertain significance (1); Likely benign (4). Last evaluated 2026-06-01.

Allele frequency attached by ClinVar (database versions not stated): 1000 Genomes Project 30x 0.00094; ExAC 0.00157; gnomAD exomes 0.00243 and 0.00455; TOPMed 0.00263; gnomAD 0.00283 and 0.00292.
gnomAD v4.1: 6,840 of 1,551,538 alleles (0.44%); highest among the groups gnomAD compares: Non-Finnish European, 0.54%; 26 homozygotes.

Submissions (5):

CeGaT Center for Human Genetics Tuebingen
Classification: Likely benign. Last evaluated: 2026-06-01. Review status: criteria provided, single submitter. Criteria: CeGaT Center For Human Genetics Tuebingen Variant Classification Criteria Version 2. Collection method: clinical testing. Allele origin: germline. Affected: yes. Observed: 12 variant alleles.
Comment: TENM4: BS2

Mayo Clinic Laboratories, Mayo Clinic
Classification: Likely benign. Last evaluated: 2025-08-01. Review status: criteria provided, single submitter. Criteria: ACMG Guidelines, 2015. Collection method: clinical testing. Allele origin: germline. Observed: 6 variant alleles.
Comment: BS1, BS2

Blueprint Genetics
Classification: Likely benign. Last evaluated: 2024-11-26. Review status: criteria provided, single submitter. Criteria: ACMG Guidelines, 2015. Collection method: clinical testing. Allele origin: germline.

Ambry Genetics
Classification: Uncertain significance. Last evaluated: 2021-07-28. Review status: criteria provided, single submitter. Criteria: Ambry Variant Classification Scheme 2023. Collection method: clinical testing. Allele origin: germline.

Labcorp Genetics (formerly Invitae), Labcorp
Classification: Likely benign. Last evaluated: 2019-12-31. Review status: criteria provided, single submitter. Criteria: Invitae Variant Classification Sherloc (09022015). Collection method: clinical testing. Allele origin: germline.